The following is an entry in ClinVar:

NM_000540.3(RYR1):c.4833C>A (p.Phe1611Leu)

Gene: RYR1 (ryanodine receptor 1; plus strand). Cytogenetic location: 19q13.2.
Variant type: single nucleotide variant.
Coding change: c.4833C>A on transcript NM_000540.3 (MANE Select); coding-DNA position 4833, C replaced by A.
Protein change: p.Phe1611Leu; replaces phenylalanine 1611 with leucine.
Molecular consequence: missense variant.
Genome position (GRCh38, 1-based): chr19:38,483,415, C>A. VCF-style: chr19-38483415-C-A. GRCh37 (hg19) VCF-style: chr19-38974055-C-A.
Other names: c.4833C>A, p.Phe1611Leu (NM_001042723.2); short protein forms F1611L.
Identifiers: ClinVar variation 1038991 (VCV001038991.8), dbSNP rs1969115421, ClinGen allele CA405650590.

ClinVar aggregate classification (germline): Uncertain significance (1 of 4 stars; one submission).

Conditions:
RYR1-related disorder. Also called: RYR1-related condition; RYR1-related disorders. Identifiers: MedGen CN239331.

Submission:

Labcorp Genetics (formerly Invitae), Labcorp
Classification: Uncertain significance for RYR1-related disorder. Last evaluated: 2020-10-20. Review status: criteria provided, single submitter. Criteria: Invitae Variant Classification Sherloc (09022015). Collection method: clinical testing. Allele origin: germline.
Comment: This sequence change replaces phenylalanine with leucine at codon 1611 of the RYR1 protein (p.Phe1611Leu). The phenylalanine residue is highly conserved and there is a small physicochemical difference between phenylalanine and leucine. In summary, the available evidence is currently insufficient to determine the role of this variant in disease. Therefore, it has been classified as a Variant of Uncertain Significance. Algorithms developed to predict the effect of missense changes on protein structure and function are either unavailable or do not agree on the potential impact of this missense change (SIFT: "Deleterious"; PolyPhen-2: "Possibly Damaging"; Align-GVGD: "Class C0"). This variant has not been reported in the literature in individuals with RYR1-related conditions. This variant is not present in population databases (ExAC no frequency).